The following is an entry in ClinVar:

ClinVar aggregate classification (germline): Likely benign (1 of 4 stars; one submission).

Conditions:
Oligodontia-cancer predisposition syndrome. Also called: TOOTH AGENESIS-COLORECTAL CANCER SYNDROME. Identifiers: Orphanet 300576, MedGen C1837750, MONDO:0012075, OMIM 608615. Disease mechanism: loss of function.

Submission:

Myriad Genetics, Inc.
Classification: Likely benign for Oligodontia-cancer predisposition syndrome. Last evaluated: 2024-07-01. Review status: criteria provided, single submitter. Criteria: Myriad Autosomal Dominant, Autosomal Recessive and X-Linked Classification Criteria (2023). Collection method: clinical testing. Allele origin: unknown.
Comment: This variant is considered likely benign. This variant is intronic and is not expected to impact mRNA splicing.

NM_004655.4(AXIN2):c.1201-11T>C

Gene: AXIN2 (axin 2; minus strand). Cytogenetic location: 17q24.1.
Variant type: single nucleotide variant.
Coding change: c.1201-11T>C on transcript NM_004655.4 (MANE Select); 11 bases into the intron before coding-DNA position 1201, T replaced by C.
Molecular consequence: intron variant.
Genome position (GRCh38, 1-based): chr17:65,537,846, A>G on the plus strand (T>C on the coding strand, the complement: AXIN2 is on the minus strand). VCF-style: chr17-65537846-A-G. GRCh37 (hg19) VCF-style: chr17-63533964-A-G.
Other names: c.1201-11T>C (NM_001363813.1).
Identifiers: ClinVar variation 3379216 (VCV003379216.1).